The following is an entry in ClinVar:

NM_183065.4(TMEM107):c.86G>C (p.Arg29Pro)

Genes: TMEM107 (transmembrane protein 107; minus strand), LOC105371520 (uncharacterized LOC105371520; plus strand). Cytogenetic location: 17p13.1.
Variant type: single nucleotide variant.
Coding change: c.86G>C on transcript NM_183065.4 (MANE Select); coding-DNA position 86, G replaced by C.
Protein change: p.Arg29Pro; replaces arginine 29 with proline.
Molecular consequence: missense variant. On other transcripts: non-coding transcript variant (1).
Genome position (GRCh38, 1-based): chr17:8,176,201, C>G on the plus strand (G>C on the coding strand, the complement: TMEM107 is on the minus strand). VCF-style: chr17-8176201-C-G. GRCh37 (hg19) VCF-style: chr17-8079519-C-G.
Other names: c.86G>C, p.Arg29Pro (NM_001351278.2, NM_001351279.2, NM_001351280.2 and 1 more transcripts); c.86G>C (NM_032354.3); short protein forms R29P.
Identifiers: ClinVar variation 1352448 (VCV001352448.7), dbSNP rs776684584, ClinGen allele CA8371093.

ClinVar aggregate classification (germline): Uncertain significance. Review status: criteria provided, multiple submitters, no conflicts (2 of 4 stars). 2 submissions from 2 submitters: Uncertain significance (2). Last evaluated 2024-07-09.

Conditions:
Inborn genetic diseases. Identifiers: MedGen C0950123, MeSH D030342.

Allele frequency attached by ClinVar (database versions not stated): gnomAD 0.00001; gnomAD exomes 0.00001; TOPMed 0.00001; ExAC 0.00002.
gnomAD v4.1: 8 of 1,613,952 alleles (0.0005%); highest among the groups gnomAD compares: Admixed American, 0.0017%; no homozygotes.

Submissions (2):

Ambry Genetics
Classification: Uncertain significance for Inborn genetic diseases. Last evaluated: 2024-07-09. Review status: criteria provided, single submitter. Criteria: Ambry Variant Classification Scheme 2023. Collection method: clinical testing. Allele origin: germline.

Labcorp Genetics (formerly Invitae), Labcorp
Classification: Uncertain significance. Last evaluated: 2022-10-13. Review status: criteria provided, single submitter. Criteria: Invitae Variant Classification Sherloc (09022015). Collection method: clinical testing. Allele origin: germline.
Comment: In summary, the available evidence is currently insufficient to determine the role of this variant in disease. Therefore, it has been classified as a Variant of Uncertain Significance. Algorithms developed to predict the effect of missense changes on protein structure and function (SIFT, PolyPhen-2, Align-GVGD) all suggest that this variant is likely to be disruptive. ClinVar contains an entry for this variant (Variation ID: 1352448). This variant has not been reported in the literature in individuals affected with TMEM107-related conditions. This variant is present in population databases (rs776684584, gnomAD 0.004%). This sequence change replaces arginine, which is basic and polar, with proline, which is neutral and non-polar, at codon 29 of the TMEM107 protein (p.Arg29Pro).